The following is an entry in ClinVar:

ClinVar aggregate classification (germline): Uncertain significance. Review status: criteria provided, multiple submitters, no conflicts (2 of 4 stars). 2 submissions from 2 submitters: Uncertain significance (2). Last evaluated 2025-12-11.

Conditions:
Inborn genetic diseases. Identifiers: MedGen C0950123, MeSH D030342.

Allele frequency attached by ClinVar (database versions not stated): TOPMed 0.00003; ExAC 0.00002; gnomAD 0.00003; gnomAD exomes 0.00002.
gnomAD v4.1: 29 of 1,614,030 alleles (0.0018%); highest among the groups gnomAD compares: Non-Finnish European, 0.0024%; no homozygotes.

Submissions (2):

Ambry Genetics
Classification: Uncertain significance for Inborn genetic diseases. Last evaluated: 2025-12-11. Review status: criteria provided, single submitter. Criteria: Ambry Variant Classification Scheme 2023. Collection method: clinical testing. Allele origin: germline.

Labcorp Genetics (formerly Invitae), Labcorp
Classification: Uncertain significance. Last evaluated: 2022-07-06. Review status: criteria provided, single submitter. Criteria: Invitae Variant Classification Sherloc (09022015). Collection method: clinical testing. Allele origin: germline.
Comment: This sequence change replaces proline, which is neutral and non-polar, with leucine, which is neutral and non-polar, at codon 471 of the COL27A1 protein (p.Pro471Leu). This variant is present in population databases (rs777277432, gnomAD 0.004%). This variant has not been reported in the literature in individuals affected with COL27A1-related conditions. Advanced modeling of protein sequence and biophysical properties (such as structural, functional, and spatial information, amino acid conservation, physicochemical variation, residue mobility, and thermodynamic stability) performed at Invitae indicates that this missense variant is not expected to disrupt COL27A1 protein function. In summary, the available evidence is currently insufficient to determine the role of this variant in disease. Therefore, it has been classified as a Variant of Uncertain Significance.

NM_032888.4(COL27A1):c.1412C>T (p.Pro471Leu)

Gene: COL27A1 (collagen type XXVII alpha 1 chain; plus strand). Cytogenetic location: 9q32.
Variant type: single nucleotide variant.
Coding change: c.1412C>T on transcript NM_032888.4 (MANE Select); coding-DNA position 1412, C replaced by T.
Protein change: p.Pro471Leu; replaces proline 471 with leucine.
Molecular consequence: missense variant.
Genome position (GRCh38, 1-based): chr9:114,168,967, C>T. VCF-style: chr9-114168967-C-T. GRCh37 (hg19) VCF-style: chr9-116931247-C-T.
Other names: c.1412C>T (NM_032888.2); short protein forms P471L.
Identifiers: ClinVar variation 2167750 (VCV002167750.3), dbSNP rs777277432, ClinGen allele CA5201375.